The following is an entry in ClinVar:

ClinVar aggregate classification (germline): Uncertain significance. Review status: criteria provided, multiple submitters, no conflicts (2 of 4 stars). 2 submissions from 2 submitters: Uncertain significance (2). Last evaluated 2025-08-11.

Conditions:
Inborn genetic diseases. Identifiers: MedGen C0950123, MeSH D030342.
Combined immunodeficiency due to MALT1 deficiency. Also called: Immunodeficiency 12. Identifiers: Orphanet 397964, MedGen C3809583, MONDO:0014197, OMIM 615468.

Allele frequency attached by ClinVar (database versions not stated): gnomAD exomes below 0.00001 and 0.00001.
gnomAD v4.1: 10 of 1,551,396 alleles (0.00064%); highest among the groups gnomAD compares: Non-Finnish European, 0.00088%; no homozygotes.

Submissions (2):

Ambry Genetics
Classification: Uncertain significance for Inborn genetic diseases. Last evaluated: 2025-08-11. Review status: criteria provided, single submitter. Criteria: Ambry Variant Classification Scheme 2023. Collection method: clinical testing. Allele origin: germline.

Labcorp Genetics (formerly Invitae), Labcorp
Classification: Uncertain significance for Combined immunodeficiency due to MALT1 deficiency. Last evaluated: 2024-10-24. Review status: criteria provided, single submitter. Criteria: Invitae Variant Classification Sherloc (09022015). Collection method: clinical testing. Allele origin: germline.
Comment: This sequence change replaces glutamic acid, which is acidic and polar, with aspartic acid, which is acidic and polar, at codon 572 of the MALT1 protein (p.Glu572Asp). This variant is present in population databases (no rsID available, gnomAD 0.0009%). This variant has not been reported in the literature in individuals affected with MALT1-related conditions. ClinVar contains an entry for this variant (Variation ID: 845139). Invitae Evidence Modeling of protein sequence and biophysical properties (such as structural, functional, and spatial information, amino acid conservation, physicochemical variation, residue mobility, and thermodynamic stability) indicates that this missense variant is not expected to disrupt MALT1 protein function with a negative predictive value of 80%. In summary, the available evidence is currently insufficient to determine the role of this variant in disease. Therefore, it has been classified as a Variant of Uncertain Significance.

NM_006785.4(MALT1):c.1716A>C (p.Glu572Asp)

Gene: MALT1 (MALT1 paracaspase; plus strand). Cytogenetic location: 18q21.32.
Variant type: single nucleotide variant.
Coding change: c.1716A>C on transcript NM_006785.4 (MANE Select); coding-DNA position 1716, A replaced by C.
Protein change: p.Glu572Asp; replaces glutamic acid 572 with aspartic acid.
Molecular consequence: missense variant.
Genome position (GRCh38, 1-based): chr18:58,741,977, A>C. VCF-style: chr18-58741977-A-C. GRCh37 (hg19) VCF-style: chr18-56409209-A-C.
Other names: c.1683A>C, p.Glu561Asp (NM_173844.3); c.1716A>C (NM_006785.2); short protein forms E561D, E572D.
Identifiers: ClinVar variation 845139 (VCV000845139.9), dbSNP rs1434283210, ClinGen allele CA402575618.